The following is an entry in ClinVar:

ClinVar aggregate classification (germline): Uncertain significance (1 of 4 stars; one submission).

Submission:

CeGaT Center for Human Genetics Tuebingen
Classification: Uncertain significance. Last evaluated: 2024-11-01. Review status: criteria provided, single submitter. Criteria: CeGaT Center For Human Genetics Tuebingen Variant Classification Criteria Version 2. Collection method: clinical testing. Allele origin: germline. Affected: yes. Observed: 1 variant allele.
Comment: SYN1: PM2, BP4

NM_006950.3(SYN1):c.1982+8G>T

Gene: SYN1 (synapsin I; minus strand). Cytogenetic location: Xp11.3.
Variant type: single nucleotide variant.
Coding change: c.1982+8G>T on transcript NM_006950.3 (MANE Select); 8 bases into the intron after coding-DNA position 1982, G replaced by T.
Molecular consequence: intron variant.
Genome position (GRCh38, 1-based): chrX:47,573,994, C>A on the plus strand (G>T on the coding strand, the complement: SYN1 is on the minus strand). VCF-style: chrX-47573994-C-A. GRCh37 (hg19) VCF-style: chrX-47433393-C-A.
Other names: c.1982+8G>T (NM_133499.2).
Identifiers: ClinVar variation 3389313 (VCV003389313.14), dbSNP rs1015222436.